The following is an entry in ClinVar:

NM_000384.3(APOB):c.4630C>T (p.Leu1544Phe)

Gene: APOB (apolipoprotein B; minus strand). Cytogenetic location: 2p24.1.
Variant type: single nucleotide variant.
Coding change: c.4630C>T on transcript NM_000384.3 (MANE Select); coding-DNA position 4630, C replaced by T.
Protein change: p.Leu1544Phe; replaces leucine 1544 with phenylalanine.
Molecular consequence: missense variant.
Genome position (GRCh38, 1-based): chr2:21,012,238, G>A on the plus strand (C>T on the coding strand, the complement: APOB is on the minus strand). VCF-style: chr2-21012238-G-A. GRCh37 (hg19) VCF-style: chr2-21235110-G-A.
Other names: short protein forms L1544F.
Identifiers: ClinVar variation 3231417 (VCV003231417.1), dbSNP rs2465377951, ClinGen allele CA346006468.

ClinVar aggregate classification (germline): Uncertain significance (1 of 4 stars; one submission).

Conditions:
Cardiovascular phenotype. Identifiers: MedGen CN230736.

gnomAD v4.1: 2 of 1,610,896 alleles (0.00012%); highest among the groups gnomAD compares: Non-Finnish European, 0.00017%; no homozygotes.

Submission:

Ambry Genetics
Classification: Uncertain significance for Cardiovascular phenotype. Last evaluated: 2024-01-22. Review status: criteria provided, single submitter. Criteria: Ambry Variant Classification Scheme 2023. Collection method: clinical testing. Allele origin: germline.
Comment: The p.L1544F variant (also known as c.4630C>T), located in coding exon 26 of the APOB gene, results from a C to T substitution at nucleotide position 4630. The leucine at codon 1544 is replaced by phenylalanine, an amino acid with highly similar properties. This amino acid position is conserved. In addition, this alteration is predicted to be tolerated by in silico analysis. Based on the available evidence, the clinical significance of this alteration remains unclear.